The following is an entry in ClinVar:

NM_000138.5(FBN1):c.3130T>A (p.Cys1044Ser)

Gene: FBN1 (fibrillin 1; minus strand). Cytogenetic location: 15q21.1.
Variant type: single nucleotide variant.
Coding change: c.3130T>A on transcript NM_000138.5 (MANE Select); coding-DNA position 3130, T replaced by A.
Protein change: p.Cys1044Ser; replaces cysteine 1044 with serine.
Molecular consequence: missense variant.
Genome position (GRCh38, 1-based): chr15:48,488,446, A>T on the plus strand (T>A on the coding strand, the complement: FBN1 is on the minus strand). VCF-style: chr15-48488446-A-T. GRCh37 (hg19) VCF-style: chr15-48780643-A-T.
Other names: c.3130T>A, p.Cys1044Ser (NM_001406716.1); short protein forms C1044S.
Identifiers: ClinVar variation 2947372 (VCV002947372.3), dbSNP rs2141295251, ClinGen allele CA392328140.

ClinVar aggregate classification (germline): Pathogenic (1 of 4 stars; one submission).

Conditions:
Marfan syndrome (MFS). Also called: MARFAN SYNDROME, TYPE I; Marfan syndrome type 1; Marfan's syndrome; Marfan syndrome, classic; FBN1-Related Marfan Syndrome. Identifiers: Orphanet 284963, Orphanet 558, MedGen C0024796, MONDO:0007947, OMIM 154700.
Familial thoracic aortic aneurysm and aortic dissection (TAAD). Also called: Thoracic aortic aneurysms and dissections. Identifiers: Orphanet 91387, MedGen C4707243, MONDO:0019625.

Submission:

Labcorp Genetics (formerly Invitae), Labcorp
Classification: Pathogenic for Marfan syndrome; Familial thoracic aortic aneurysm and aortic dissection. Last evaluated: 2023-11-03. Review status: criteria provided, single submitter. Criteria: Invitae Variant Classification Sherloc (09022015). Collection method: clinical testing. Allele origin: germline.
Comment: This sequence change replaces cysteine, which is neutral and slightly polar, with serine, which is neutral and polar, at codon 1044 of the FBN1 protein (p.Cys1044Ser). This variant is not present in population databases (gnomAD no frequency). This missense change has been observed in individual(s) with clinical features consistent with Marfan syndrome (Invitae). In at least one individual the variant was observed to be de novo. Advanced modeling of protein sequence and biophysical properties (such as structural, functional, and spatial information, amino acid conservation, physicochemical variation, residue mobility, and thermodynamic stability) performed at Invitae indicates that this missense variant is expected to disrupt FBN1 protein function with a positive predictive value of 95%. This variant affects a cysteine residue in the EGF-like, TGFBP or hybrid motif domains of FBN1. Cysteine residues are believed to be involved in intramolecular disulfide bridges and have been shown to be important for FBN1 protein structure (PMID: 16905551, 19349279). In addition, missense substitutions affecting cysteine residues within these domains are significantly overrepresented among patients with Marfan syndrome (PMID: 16571647, 17701892). For these reasons, this variant has been classified as Pathogenic.

Literature cited by the submitters: PubMed 16905551; PubMed 19349279; PubMed 16571647; PubMed 17701892.